The following is an entry in ClinVar:

ClinVar aggregate classification (germline): Uncertain significance (1 of 4 stars; one submission).

Submission:

Labcorp Genetics (formerly Invitae), Labcorp
Classification: Uncertain significance. Last evaluated: 2023-06-24. Review status: criteria provided, single submitter. Criteria: Invitae Variant Classification Sherloc (09022015). Collection method: clinical testing. Allele origin: germline.
Comment: In summary, the available evidence is currently insufficient to determine the role of this variant in disease. Therefore, it has been classified as a Variant of Uncertain Significance. Advanced modeling of protein sequence and biophysical properties (such as structural, functional, and spatial information, amino acid conservation, physicochemical variation, residue mobility, and thermodynamic stability) performed at Invitae indicates that this missense variant is not expected to disrupt LIPC protein function. This variant has not been reported in the literature in individuals affected with LIPC-related conditions. This variant is not present in population databases (gnomAD no frequency). This sequence change replaces serine, which is neutral and polar, with asparagine, which is neutral and polar, at codon 309 of the LIPC protein (p.Ser309Asn).

NM_000236.3(LIPC):c.926G>A (p.Ser309Asn)

Gene: LIPC (lipase C, hepatic type; plus strand). Cytogenetic location: 15q21.3.
Variant type: single nucleotide variant.
Coding change: c.926G>A on transcript NM_000236.3 (MANE Select); coding-DNA position 926, G replaced by A.
Protein change: p.Ser309Asn; replaces serine 309 with asparagine.
Molecular consequence: missense variant.
Genome position (GRCh38, 1-based): chr15:58,548,447, G>A. VCF-style: chr15-58548447-G-A. GRCh37 (hg19) VCF-style: chr15-58840646-G-A.
Other names: short protein forms S309N.
Identifiers: ClinVar variation 2836062 (VCV002836062.3), dbSNP rs61731970, ClinGen allele CA392613183.
Genomic context (GRCh38, chr15:58,548,447, plus strand): 5'-CCTTGCTGCACGCCGGCACGCAGAGCATGGCCTACCCGTGTGGTGACATGAACAGCTTCA[G>A]CCAGGGCCTGTGCCTGAGCTGCAAGAAGGGCCGCTGCAACACGCTGGGCTACCACGTCCG-3'
Protein context (NP_000227.2, residues 299-319): AYPCGDMNSF[Ser309Asn]QGLCLSCKKG